The following is an entry in ClinVar:

NM_198525.3(KIF7):c.1879G>C (p.Glu627Gln)

Gene: KIF7 (kinesin family member 7; minus strand). Cytogenetic location: 15q26.1.
Variant type: single nucleotide variant.
Coding change: c.1879G>C on transcript NM_198525.3 (MANE Select); coding-DNA position 1879, G replaced by C.
Protein change: p.Glu627Gln; replaces glutamic acid 627 with glutamine.
Molecular consequence: missense variant.
Genome position (GRCh38, 1-based): chr15:89,645,936, C>G on the plus strand (G>C on the coding strand, the complement: KIF7 is on the minus strand). VCF-style: chr15-89645936-C-G. GRCh37 (hg19) VCF-style: chr15-90189167-C-G.
Other names: short protein forms E627Q.
Identifiers: ClinVar variation 2045696 (VCV002045696.4), dbSNP rs2505482771, ClinGen allele CA393766456.

ClinVar aggregate classification (germline): Uncertain significance (1 of 4 stars; one submission).

Conditions:
Acrocallosal syndrome (ACLS). Also called: HALLUX DUPLICATION, POSTAXIAL POLYDACTYLY, AND ABSENCE OF CORPUS CALLOSUM; Schinzel syndrome 1; Absence of corpus callosum with unusual facial appearance, mental deficiency, duplication of the halluces and polydactyly. Identifiers: Orphanet 36, MedGen C0796147, MONDO:0008708, OMIM 200990.

gnomAD v4.1: 1 of 1,613,844 alleles (0.000062%); no homozygotes.

Submission:

Labcorp Genetics (formerly Invitae), Labcorp
Classification: Uncertain significance for Acrocallosal syndrome. Last evaluated: 2021-12-17. Review status: criteria provided, single submitter. Criteria: Invitae Variant Classification Sherloc (09022015). Collection method: clinical testing. Allele origin: germline.
Comment: This variant is not present in population databases (gnomAD no frequency). This variant has not been reported in the literature in individuals affected with KIF7-related conditions. Algorithms developed to predict the effect of missense changes on protein structure and function output the following: SIFT: "Tolerated"; PolyPhen-2: "Benign"; Align-GVGD: "Class C0". The glutamine amino acid residue is found in multiple mammalian species, which suggests that this missense change does not adversely affect protein function. This sequence change replaces glutamic acid, which is acidic and polar, with glutamine, which is neutral and polar, at codon 627 of the KIF7 protein (p.Glu627Gln). In summary, the available evidence is currently insufficient to determine the role of this variant in disease. Therefore, it has been classified as a Variant of Uncertain Significance.